The following is an entry in ClinVar:

NM_001365536.1(SCN9A):c.5197C>G (p.Pro1733Ala)

Genes: SCN1A-AS1 (SCN1A and SCN9A antisense RNA 1; plus strand), SCN9A (sodium voltage-gated channel alpha subunit 9; minus strand). Cytogenetic location: 2q24.3.
Variant type: single nucleotide variant.
Coding change: c.5197C>G on transcript NM_001365536.1 (MANE Select); coding-DNA position 5197, C replaced by G.
Protein change: p.Pro1733Ala; replaces proline 1733 with alanine.
Molecular consequence: missense variant.
Genome position (GRCh38, 1-based): chr2:166,199,442, G>C on the plus strand (C>G on the coding strand, the complement: SCN9A is on the minus strand). VCF-style: chr2-166199442-G-C. GRCh37 (hg19) VCF-style: chr2-167055952-G-C.
Other names: p.Pro1722Ala; c.5164C>G, p.Pro1722Ala (NM_002977.4); short protein forms P1733A, P1722A.
Identifiers: ClinVar variation 4540689 (VCV004540689.1).
Genomic context (GRCh38, chr2:166,199,442, plus strand): 5'-TCACCACAACCAGGAAGGATATGATGATATAACTAACAAAGTAGAATATTCCAACAGATG[G>C]GTTACCACAGTCTCCTTCAACTGAACTTCCAGGATGAACTTTTTTTGGGTCACAGTCGGG-3'
Protein context (NP_001352465.1, residues 1723-1743): GSSVEGDCGN[Pro1733Ala]SVGIFYFVSY

ClinVar aggregate classification (germline): Uncertain significance (1 of 4 stars; one submission).

Submission:

Mayo Clinic Laboratories, Mayo Clinic
Classification: Uncertain significance. Last evaluated: 2025-05-04. Review status: criteria provided, single submitter. Criteria: ACMG Guidelines, 2015. Collection method: clinical testing. Allele origin: germline. Observed: 1 variant allele.
Comment: PP3_moderate, PM2_supporting